The following is an entry in ClinVar:

NM_024426.6(WT1):c.1269G>A (p.Glu423=)

Gene: WT1 (WT1 transcription factor; minus strand). Cytogenetic location: 11p13.
Variant type: single nucleotide variant.
Coding change: c.1269G>A on transcript NM_024426.6 (MANE Select); coding-DNA position 1269, G replaced by A.
Protein change: p.Glu423=; no amino-acid change (glutamic acid 423 retained).
Molecular consequence: synonymous variant. On other transcripts: non-coding transcript variant (2), intron variant (1).
Genome position (GRCh38, 1-based): chr11:32,392,751, C>T on the plus strand (G>A on the coding strand, the complement: WT1 is on the minus strand). VCF-style: chr11-32392751-C-T. GRCh37 (hg19) VCF-style: chr11-32414297-C-T.
Other names: c.1218G>A, p.Glu406= (NM_000378.6, NM_001407045.1, NM_001407049.1); c.618G>A, p.Glu206= (NM_001198551.2); c.567G>A, p.Glu189= (NM_001198552.2); c.81G>A, p.Glu27= (NM_001367854.1); c.1263G>A, p.Glu421= (NM_001407044.1); c.1269G>A, p.Glu423= (NM_001407046.1, NM_024424.5); c.1146G>A, p.Glu382= (NM_001407047.1); c.1095G>A, p.Glu365= (NM_001407050.1); and 3 more.
Identifiers: ClinVar variation 414087 (VCV000414087.16), dbSNP rs767850636, ClinGen allele CA064424.

ClinVar aggregate classification (germline): Likely benign. Review status: criteria provided, multiple submitters, no conflicts (2 of 4 stars). 5 submissions from 5 submitters: Likely benign (5). Last evaluated 2025-11-04.

Conditions:
Wilms tumor 1 (WT1). Also called: Wilms tumor, somatic. Identifiers: Orphanet 654, MedGen CN033288, MONDO:0008679, OMIM 194070.
Frasier syndrome. Identifiers: Orphanet 347, MedGen C0950122, MeSH D052159, MONDO:0007635, OMIM 136680.
Drash syndrome (DDS). Also called: NEPHROPATHY, WILMS TUMOR, AND GENITAL ANOMALIES; WILMS TUMOR AND PSEUDO- OR TRUE HERMAPHRODITISM. Identifiers: Orphanet 220, MedGen C0950121, MONDO:0008682, OMIM 194080.
11p partial monosomy syndrome (WAGR). Also called: WAGR Spectrum Disorder; CHROMOSOME 11p13 DELETION SYNDROME; WAGR syndrome; WAGR Complex. Identifiers: Orphanet 893, MedGen C0206115, MONDO:0008681, OMIM 194072.
Inborn genetic diseases. Identifiers: MedGen C0950123, MeSH D030342.
Hereditary cancer-predisposing syndrome. Also called: Neoplastic Syndromes, Hereditary; Tumor predisposition; Hereditary Cancer Syndrome; Hereditary neoplastic syndrome. Identifiers: Orphanet 140162, MedGen C0027672, MeSH D009386, MONDO:0015356.

Allele frequency attached by ClinVar (database versions not stated): gnomAD exomes 0.00001 and 0.00002; ExAC 0.00002; TOPMed 0.00004; gnomAD 0.00005 and 0.00006.
gnomAD v4.1: 22 of 1,613,766 alleles (0.0014%); highest among the groups gnomAD compares: African/African-American, 0.016%; no homozygotes.

Submissions (5):

Labcorp Genetics (formerly Invitae), Labcorp
Classification: Likely benign for Wilms tumor 1; Drash syndrome; 11p partial monosomy syndrome; Frasier syndrome. Last evaluated: 2025-11-04. Review status: criteria provided, single submitter. Criteria: Invitae Variant Classification Sherloc (09022015). Collection method: clinical testing. Allele origin: germline.

Ambry Genetics
Classification: Likely benign for Inborn genetic diseases. Last evaluated: 2024-08-21. Review status: criteria provided, single submitter. Criteria: Ambry Variant Classification Scheme 2023. Collection method: clinical testing. Allele origin: germline.

All of Us Research Program, National Institutes of Health
Classification: Likely benign for Wilms tumor 1. Last evaluated: 2023-12-13. Review status: criteria provided, single submitter. Criteria: ACMG Guidelines, 2015. Collection method: clinical testing. Allele origin: germline. Inheritance: Autosomal dominant inheritance. Observed: 6 variant alleles, 6 heterozygotes.
Comment: This study involves interpretation of variants in research participants for the purpose of population health screening. Participant phenotype was not available at the time of variant classification. Additional details can be found in publication PMID: 35346344, PMCID: PMC8962531

Color Diagnostics, LLC DBA Color Health
Classification: Likely benign for Wilms tumor 1. Last evaluated: 2023-04-27. Review status: criteria provided, single submitter. Criteria: ACMG Guidelines, 2015. Collection method: clinical testing. Allele origin: germline.

Sema4
Classification: Likely benign for Hereditary cancer-predisposing syndrome. Last evaluated: 2021-06-27. Review status: criteria provided, single submitter. Criteria: Sema4 Curation Guidelines. Collection method: curation. Allele origin: germline.